The following is an entry in ClinVar:

NM_014915.3(ANKRD26):c.-164C>T

Gene: ANKRD26 (ankyrin repeat domain 26; minus strand). Cytogenetic location: 10p12.1.
Variant type: single nucleotide variant.
Coding change: c.-164C>T on transcript NM_014915.3 (MANE Select); 164 bases upstream of the start codon, C replaced by T.
Molecular consequence: 5 prime UTR variant.
Genome position (GRCh38, 1-based): chr10:27,100,490, G>A on the plus strand (C>T on the coding strand, the complement: ANKRD26 is on the minus strand). VCF-style: chr10-27100490-G-A. GRCh37 (hg19) VCF-style: chr10-27389419-G-A.
Other names: c.-164C>T (NM_001256053.2).
Identifiers: ClinVar variation 3060607 (VCV003060607.3), dbSNP rs1474363279, ClinGen allele CA592386743.

ClinVar aggregate classification (germline): Uncertain significance. Review status: criteria provided, single submitter (1 of 4 stars). 2 submissions from 2 submitters: Uncertain significance (1). 1 of the submissions does not count toward it. Last evaluated 2025-10-29.

Conditions:
ANKRD26-related disorder. Also called: ANKRD26-related condition.

Allele frequency attached by ClinVar (database versions not stated): TOPMed below 0.00001; gnomAD 0.00002; gnomAD exomes 0.00001.
gnomAD v4.1: 9 of 1,087,976 alleles (0.00083%); highest among the groups gnomAD compares: Non-Finnish European, 0.0012%; no homozygotes.

Submissions (2):

Labcorp Genetics (formerly Invitae), Labcorp
Classification: Uncertain significance. Last evaluated: 2025-10-29. Review status: criteria provided, single submitter. Criteria: Invitae Variant Classification Sherloc (09022015). Collection method: clinical testing. Allele origin: germline.
Comment: This variant occurs in a non-coding region of the ANKRD26 gene. It does not change the encoded amino acid sequence of the ANKRD26 protein. This variant is present in population databases (no rsID available, gnomAD 0.01%). This variant has not been reported in the literature in individuals affected with ANKRD26-related conditions. ClinVar contains an entry for this variant (Variation ID: 3060607). In summary, the available evidence is currently insufficient to determine the role of this variant in disease. Therefore, it has been classified as a Variant of Uncertain Significance.

PreventionGenetics, part of Exact Sciences
Classification: Likely benign for ANKRD26-related condition. Last evaluated: 2024-02-12. Review status: no assertion criteria provided. Collection method: clinical testing. Allele origin: germline. Not counted in ClinVar's aggregate classification.
Comment: This variant is classified as likely benign based on ACMG/AMP sequence variant interpretation guidelines (Richards et al. 2015 PMID: 25741868, with internal and published modifications).